The following is an entry in ClinVar:

ClinVar aggregate classification (germline): Pathogenic (1 of 4 stars; one submission).

Submission:

Labcorp Genetics (formerly Invitae), Labcorp
Classification: Pathogenic. Last evaluated: 2023-09-05. Review status: criteria provided, single submitter. Criteria: Invitae Variant Classification Sherloc (09022015). Collection method: clinical testing. Allele origin: germline.
Comment: This sequence change creates a premature translational stop signal (p.Glu165*) in the OTOF gene. It is expected to result in an absent or disrupted protein product. Loss-of-function variants in OTOF are known to be pathogenic (PMID: 18381613, 19250381, 22575033). This variant is not present in population databases (gnomAD no frequency). This variant has not been reported in the literature in individuals affected with OTOF-related conditions. For these reasons, this variant has been classified as Pathogenic.

Literature cited by the submitters: PubMed 18381613; PubMed 19250381; PubMed 22575033.

NM_194248.3(OTOF):c.493G>T (p.Glu165Ter)

Gene: OTOF (otoferlin; minus strand). Cytogenetic location: 2p23.3.
Variant type: single nucleotide variant.
Coding change: c.493G>T on transcript NM_194248.3 (MANE Select); coding-DNA position 493, G replaced by T.
Protein change: p.Glu165Ter; replaces glutamic acid 165 with a stop codon.
Molecular consequence: nonsense.
Genome position (GRCh38, 1-based): chr2:26,516,434, C>A on the plus strand (G>T on the coding strand, the complement: OTOF is on the minus strand). VCF-style: chr2-26516434-C-A. GRCh37 (hg19) VCF-style: chr2-26739302-C-A.
Other names: c.493G>T, p.Glu165Ter (NM_001287489.2); short protein forms E165*.
Identifiers: ClinVar variation 2755866 (VCV002755866.3), dbSNP rs2465352690, ClinGen allele CA346139261.
Genomic context (GRCh38, chr2:26,516,434, plus strand): 5'-GTGTCTTGGGAGCAGTGGGCAGCCAGAGGGGTCCTGCCTGTTACCTCCGGAAGCTCTTCT[C>A]TCCTGGGGGCCGGGAGCTGGGCCGGGAGCCTGGGAGCAGTCCATCCGTCTCTTGGCTGTC-3'